The following is an entry in ClinVar:

ClinVar aggregate classification (germline): Benign. Review status: criteria provided, multiple submitters, no conflicts (2 of 4 stars). 2 submissions from 2 submitters: Benign (2). Last evaluated 2026-01-19.

Allele frequency attached by ClinVar (database versions not stated): TOPMed 0.00003; gnomAD 0.00006; ExAC 0.00017; 1000 Genomes Project 30x 0.00031; 1000 Genomes Project 0.00040.
gnomAD v4.1: 146 of 1,592,284 alleles (0.0092%); highest among the groups gnomAD compares: East Asian, 0.17%; 1 homozygote.

Submissions (2):

Labcorp Genetics (formerly Invitae), Labcorp
Classification: Benign. Last evaluated: 2026-01-19. Review status: criteria provided, single submitter. Criteria: Invitae Variant Classification Sherloc (09022015). Collection method: clinical testing. Allele origin: germline.

Women's Health and Genetics/Laboratory Corporation of America, LabCorp
Classification: Benign. Last evaluated: 2025-04-24. Review status: criteria provided, single submitter. Criteria: LabCorp Variant Classification Summary - May 2015. Collection method: clinical testing. Allele origin: germline.
Comment: Variant summary: LARS1 c.2770-7C>T alters a non-conserved nucleotide located at a position not widely known to affect splicing. Consensus agreement among computation tools predict no significant impact on normal splicing. However, these predictions have yet to be confirmed by functional studies. The variant was present at a frequency of in 0.00009169 in control chromosomes, including 1 homozygote. The available data on variant occurrences in the general population are insufficient to allow any conclusion about variant significance. To our knowledge, no occurrence of c.2770-7C>T in individuals affected with Liver Failure Acute Infantile, Type 1 and no experimental evidence demonstrating its impact on protein function have been reported. ClinVar contains an entry for this variant (Variation ID: 2078656). Based on the evidence outlined above, the variant was classified as benign.

NM_020117.11(LARS1):c.2770-7C>T

Gene: LARS1 (leucyl-tRNA synthetase 1; minus strand). Cytogenetic location: 5q32.
Variant type: single nucleotide variant.
Coding change: c.2770-7C>T on transcript NM_020117.11 (MANE Select); 7 bases into the intron before coding-DNA position 2770, C replaced by T.
Molecular consequence: intron variant.
Genome position (GRCh38, 1-based): chr5:146,128,789, G>A on the plus strand (C>T on the coding strand, the complement: LARS1 is on the minus strand). VCF-style: chr5-146128789-G-A. GRCh37 (hg19) VCF-style: chr5-145508352-G-A.
Other names: c.2608-7C>T (NM_001317965.2); c.2689-7C>T (NM_016460.4); c.2632-7C>T (NM_001317964.2).
Identifiers: ClinVar variation 2078656 (VCV002078656.7), dbSNP rs199817784, ClinGen allele CA3489228.